The following is an entry in ClinVar:

NM_001253852.3(AP4B1):c.470-2A>C

Gene: AP4B1 (adaptor related protein complex 4 subunit beta 1; minus strand). Cytogenetic location: 1p13.2.
Variant type: single nucleotide variant.
Coding change: c.470-2A>C on transcript NM_001253852.3 (MANE Select); the canonical splice acceptor site of the intron before coding-DNA position 470, A replaced by C.
Molecular consequence: splice acceptor variant. On other transcripts: intron variant (1).
Genome position (GRCh38, 1-based): chr1:113,901,385, T>G on the plus strand (A>C on the coding strand, the complement: AP4B1 is on the minus strand). VCF-style: chr1-113901385-T-G. GRCh37 (hg19) VCF-style: chr1-114444007-T-G.
Other names: c.173-2A>C (NM_001253853.3); c.470-2A>C (NM_006594.5); c.114-985A>C (NM_001308312.2).
Identifiers: ClinVar variation 2261864 (VCV002261864.3), dbSNP rs777825865, ClinGen allele CA28998347.

ClinVar aggregate classification (germline): Pathogenic/Likely pathogenic. Review status: criteria provided, multiple submitters, no conflicts (2 of 4 stars). 2 submissions from 2 submitters: Pathogenic (1); Likely pathogenic (1). Last evaluated 2022-03-31.

Conditions:
Inborn genetic diseases. Identifiers: MedGen C0950123, MeSH D030342.
Hereditary ataxia. Also called: Hereditary Ataxias. Identifiers: Orphanet 183518, MedGen C0004138, MONDO:0100309, MONDO:0000557.

Allele frequency attached by ClinVar (database versions not stated): gnomAD 0.00001; TOPMed 0.00001; gnomAD exomes 0.00002.
gnomAD v4.1: 28 of 1,613,738 alleles (0.0017%); highest among the groups gnomAD compares: Non-Finnish European, 0.0022%; no homozygotes.

Submissions (2):

AURAGEN, Plan France Médecine Génomique
Classification: Pathogenic for Hereditary ataxia. Last evaluated: 2022-03-31. Review status: criteria provided, single submitter. Criteria: PFMG2025 (Lancet Reg Health Eur. 2025). Collection method: clinical testing. Allele origin: germline. Affected: yes.

Ambry Genetics
Classification: Likely pathogenic for Inborn genetic diseases. Last evaluated: 2021-12-22. Review status: criteria provided, single submitter. Criteria: Ambry Variant Classification Scheme 2023. Collection method: clinical testing. Allele origin: germline.
Comment: The c.470-2A>C intronic variant results from a A to C substitution two nucleotides before coding exon 4 of the AP4B1 gene. Alterations that disrupt the canonical splice site are expected to cause aberrant splicing, resulting in an abnormal protein or a transcript that is subject to nonsense-mediated mRNA decay. This allele was reported in one heterozygous individual in population-based cohorts in the Genome Aggregation Database (gnomAD). This nucleotide position is highly conserved in available vertebrate species. In silico splice site analysis predicts that this alteration will weaken the native splice acceptor site. Based on the available evidence, this alteration is classified as likely pathogenic.